The following is an entry in ClinVar:

ClinVar aggregate classification (germline): Pathogenic/Likely pathogenic. Review status: criteria provided, multiple submitters, no conflicts (2 of 4 stars). 3 submissions from 3 submitters: Pathogenic (1); Likely pathogenic (1). 1 of the submissions does not count toward it. Last evaluated 2025-08-20.

Conditions:
Vitelliform macular dystrophy 2. Also called: Best Macular Dystrophy; MACULAR DEGENERATION, POLYMORPHIC VITELLINE; VITELLIFORM MACULAR DYSTROPHY, EARLY-ONSET; Best Vitelliform Macular Dystrophy (BVMD); VITELLIFORM MACULAR DYSTROPHY, JUVENILE-ONSET; Best vitelliform macular dystrophy, multifocal. Identifiers: Orphanet 1243, MedGen C2745945, MONDO:0007931, OMIM 153700.
Autosomal recessive bestrophinopathy. Also called: Autosomal Recessive Bestrophinopathy (ARB). Identifiers: Orphanet 139455, MedGen C3888198, MONDO:0012733, OMIM 611809.

Allele frequency attached by ClinVar (database versions not stated): gnomAD exomes below 0.00001; ExAC 0.00001; gnomAD 0.00001; TOPMed 0.00001.
gnomAD v4.1: 5 of 1,480,984 alleles (0.00034%); highest among the groups gnomAD compares: Non-Finnish European, 0.00047%; no homozygotes.

Submissions (3):

Labcorp Genetics (formerly Invitae), Labcorp
Classification: Pathogenic. Last evaluated: 2025-08-20. Review status: criteria provided, single submitter. Criteria: Invitae Variant Classification Sherloc (09022015). Collection method: clinical testing. Allele origin: germline.
Comment: This sequence change replaces glutamic acid, which is acidic and polar, with glycine, which is neutral and non-polar, at codon 213 of the BEST1 protein (p.Glu213Gly). This variant is present in population databases (rs748685592, gnomAD 0.0009%). This missense change has been observed in individual(s) with clinical features of autosomal recessive bestrophinopathy or Best disease (PMID: 2162627, 22162627, 33546218, 35119454). In at least one individual the data is consistent with being in trans (on the opposite chromosome) from a pathogenic variant. ClinVar contains an entry for this variant (Variation ID: 1004951). An algorithm developed to predict the effect of missense changes on protein structure and function (PolyPhen-2) suggests that this variant is likely to be disruptive. Experimental studies have shown that this missense change affects BEST1 function (PMID: 24560797). For these reasons, this variant has been classified as Pathogenic.

Institute of Medical Molecular Genetics, University of Zurich
Classification: Likely pathogenic for Autosomal recessive bestrophinopathy. Last evaluated: 2021-01-30. Review status: criteria provided, single submitter. Criteria: ACMG Guidelines, 2015. Collection method: clinical testing. Allele origin: unknown. Affected: yes.

Ocular Genomics Institute, Massachusetts Eye and Ear
Classification: Uncertain significance for Vitelliform macular dystrophy 2. Last evaluated: 2021-04-08. Review status: flagged submission. Criteria: ACMG Guidelines, 2015. Collection method: research. Allele origin: germline. Affected: yes. Not counted in ClinVar's aggregate classification.
Comment: Through a review of available evidence we were able to apply the following criteria: PM2, PP3. Based on this evidence we have classified this variant as Variant of Uncertain Significance.
ClinVar note: Reason: Other submission error

Literature cited by the submitters: PubMed 2162627 (cited by Labcorp Genetics (formerly Invitae), Labcorp); PubMed 22162627 (cited by Labcorp Genetics (formerly Invitae), Labcorp); PubMed 33546218 (cited by Labcorp Genetics (formerly Invitae), Labcorp); PubMed 35119454 (cited by Labcorp Genetics (formerly Invitae), Labcorp); PubMed 24560797 (cited by Labcorp Genetics (formerly Invitae), Labcorp).

NM_004183.4(BEST1):c.638A>G (p.Glu213Gly)

Gene: BEST1 (bestrophin 1; plus strand). Cytogenetic location: 11q12.3.
Variant type: single nucleotide variant.
Coding change: c.638A>G on transcript NM_004183.4 (MANE Select); coding-DNA position 638, A replaced by G.
Protein change: p.Glu213Gly; replaces glutamic acid 213 with glycine.
Molecular consequence: missense variant. On other transcripts: non-coding transcript variant (1).
Genome position (GRCh38, 1-based): chr11:61,957,388, A>G. VCF-style: chr11-61957388-A-G. GRCh37 (hg19) VCF-style: chr11-61724860-A-G.
Other names: c.458A>G, p.Glu153Gly (NM_001139443.3, NM_001300786.2, NM_001300787.2); c.320A>G, p.Glu107Gly (NM_001363591.3); c.638A>G, p.Glu213Gly (NM_001363592.2); c.-538A>G (NM_001363593.3); short protein forms E107G, E153G, E213G.
Identifiers: ClinVar variation 1004951 (VCV001004951.10), dbSNP rs748685592, ClinGen allele CA6040812.